The following is an entry in ClinVar:

NM_000350.3(ABCA4):c.2971G>C (p.Gly991Arg)

Gene: ABCA4 (ATP binding cassette subfamily A member 4; minus strand). Cytogenetic location: 1p22.1.
Variant type: single nucleotide variant.
Coding change: c.2971G>C on transcript NM_000350.3 (MANE Select); coding-DNA position 2971, G replaced by C.
Protein change: p.Gly991Arg; replaces glycine 991 with arginine.
Molecular consequence: missense variant.
Genome position (GRCh38, 1-based): chr1:94,044,692, C>G on the plus strand (G>C on the coding strand, the complement: ABCA4 is on the minus strand). VCF-style: chr1-94044692-C-G. GRCh37 (hg19) VCF-style: chr1-94510248-C-G.
Other names: c.2749G>C, p.Gly917Arg (NM_001425324.1); short protein forms G991R, G917R.
Identifiers: ClinVar variation 99182 (VCV000099182.50), dbSNP rs61749455, ClinGen allele CA227061.

ClinVar aggregate classification (germline): Conflicting classifications of pathogenicity. Review status: criteria provided, conflicting classifications (1 of 4 stars). 16 submissions from 15 submitters: Pathogenic (6); Likely pathogenic (7); Uncertain significance (1). 2 of the submissions do not count toward it. Last evaluated 2026-09-01.

Conditions:
Macular dystrophy. Identifiers: MedGen C0730292, HP:0007754.
ABCA4-related disorder. Also called: ABCA4-related disorders; ABCA4-related condition. Identifiers: MedGen CN239167.
Age related macular degeneration 2. Also called: MACULAR DEGENERATION, SENILE; MACULOPATHY, AGE-RELATED, 2; MACULOPATHY, AGE-RELATED. Identifiers: MedGen C3495438, MONDO:0007932, OMIM 153800.
Severe early-childhood-onset retinal dystrophy (STGD1). Also called: MACULAR DYSTROPHY WITH FLECKS, TYPE 1; STGD; Stargardt macular dystrophy; Juvenile onset macular degeneration; Stargardt disease 1. Identifiers: Orphanet 364055, Orphanet 827, MedGen C1855465, MeSH D000080362, MONDO:0009549, OMIM 248200.
Retinitis pigmentosa 19 (RP19). Also called: ABCA4-Related Retinitis Pigmentosa. Identifiers: Orphanet 791, MedGen C1866422, MONDO:0011137, OMIM 601718.
Cone-rod dystrophy 3 (CORD3). Identifiers: Orphanet 1872, MedGen C1858806, MONDO:0011395, OMIM 604116.
Optic atrophy. Identifiers: MedGen C0029124, MONDO:0003608, HP:0000648.
Retinal dystrophy. Also called: Inherited retinal dystrophy. Identifiers: Orphanet 71862, MedGen C0854723, MeSH D058499, MONDO:0019118, HP:0000556.
Stargardt disease (FFM). Also called: Fundus flavimaculatus; Stargardt's disease. Identifiers: Orphanet 827, MedGen C0271093, MONDO:0019353.

Allele frequency attached by ClinVar (database versions not stated): ExAC 0.00072; 1000 Genomes Project 30x 0.00141; 1000 Genomes Project 0.00160; gnomAD 0.00194; ESP Exome Variant Server 0.00215; TOPMed 0.00243.

Submissions 1 to 11 of 16:

CeGaT Center for Human Genetics Tuebingen
Classification: Likely pathogenic. Last evaluated: 2026-09-01. Review status: criteria provided, single submitter. Criteria: CeGaT Center For Human Genetics Tuebingen Variant Classification Criteria Version 2. Collection method: clinical testing. Allele origin: germline. Affected: yes. Observed: 2 variant alleles.
Comment: ABCA4: PM3:Strong, PM5, PM2:Supporting

GeneDx
Classification: Pathogenic. Last evaluated: 2026-07-30. Review status: criteria provided, single submitter. Criteria: GeneDx Variant Classification Process June 2021. Collection method: clinical testing. Allele origin: germline.
Comment: In silico analysis supports that this missense variant has a deleterious effect on protein structure/function; This variant is associated with the following publications: (PMID: 22328824, 23982839, 25082829, 14517951, 35120629, 32307445, 25283059, 11379881, 23953153, 18024811, 29178665, 28041643, 29925512, 32581362, 32278709, 32619608, Cornelis2023[paper], 34954332, 28005406, 24743636, 37126335, 35089312, 15017103, 35260635, 38219857, Asanoah_2025_Preprint, 25066811)

PreventionGenetics, part of Exact Sciences
Classification: Likely pathogenic for ABCA4-related condition. Last evaluated: 2026-07-07. Review status: criteria provided, single submitter. Criteria: ACMG Guidelines, 2015. Collection method: clinical testing. Allele origin: germline.
Comment: The ABCA4 c.2971G>C variant is predicted to result in the amino acid substitution p.Gly991Arg. This variant has been reported along with a second ABCA4 variant in individuals with Stargardt disease (see for example: Sisk et al. 2014. PubMed ID: 24743636; Duncker et al. 2014. PubMed ID: 25283059; Table S2, Carss et al. 2016. PubMed ID: 28041643; Table S1, Fujinami et al. 2018. PubMed ID: 29925512; Table S1, Del Pozo-Valero et al. 2020. PubMed ID: 32619608; Table S1, Lin et al. 2024. PubMed ID: 38219857). Note that several of these publications list the third variant c.3899G>A (p.Arg1300Gln), which we classify as benign and is likely to be in cis with this variant. This variant is reported in 0.73% of alleles in individuals of African descent in gnomAD, indicating this variant is relatively common. Given the evidence, we interpret this variant as likely pathogenic.

Women's Health and Genetics/Laboratory Corporation of America, LabCorp
Classification: Pathogenic for Stargardt disease. Last evaluated: 2026-03-10. Review status: criteria provided, single submitter. Criteria: LabCorp Variant Classification Summary - May 2015. Collection method: clinical testing. Allele origin: germline.
Comment: Variant summary: ABCA4 c.2971G>C (p.Gly991Arg) results in a non-conservative amino acid change in the encoded protein sequence. Algorithms developed to predict the effect of missense changes on protein structure and function all suggest that this variant is likely to be disruptive. The variant allele was found at a frequency of 0.00056 in 251492 control chromosomes, predominantly at a frequency of 0.0076 within the African or African-American subpopulation in the gnomAD database. The observed variant frequency within African or African-American control individuals in the gnomAD database exceeds the estimated maximal expected allele frequency for disease-causing variants in ABCA4, although at least one study of an African American cohort suggested that the variant frequency was enriched within patients compared to control frequency (Zernant_2014). c.2971G>C has been observed in the biallelic state in multiple individuals affected with Stargardt Disease and has been found to segregate with the disease in at least one family (e.g. Yatsenko_2001, Zernant_2014, Khan_2020, Fujinami_2019, internal data). These data indicate that the variant is likely to be associated with disease, however the age of onset appears to be generally later than typically observed for ABCA4-related Stargardt cases. To our knowledge, no experimental evidence demonstrating an impact on protein function has been reported. However, different variants affecting the same codon have been classified as likely pathogenic/pathogenic by our lab (c.2972G>T, p.Gly991Val and c.2971G>A p.Gly991Arg), supporting the critical relevance of codon 991 to ABCA4 protein function. The following publications have been ascertained in the context of this evaluation (PMID: 32307445, 11379881, 25066811, 29925512). ClinVar contains an entry for this variant (Variation ID: 99182). Based on the evidence outlined above, the variant was classified as pathogenic.

Labcorp Genetics (formerly Invitae), Labcorp
Classification: Pathogenic. Last evaluated: 2026-01-28. Review status: criteria provided, single submitter. Criteria: Invitae Variant Classification Sherloc (09022015). Collection method: clinical testing. Allele origin: germline.
Comment: This sequence change replaces glycine, which is neutral and non-polar, with arginine, which is basic and polar, at codon 991 of the ABCA4 protein (p.Gly991Arg). This variant is present in population databases (rs61749455, gnomAD 0.7%), and has an allele count higher than expected for a pathogenic variant. This missense change has been observed in individual(s) with Stargardt disease, often with later onset than typical Stargardt (PMID: 11379881, 25066811, 28446513, 32278709; internal data). It has also been observed to segregate with disease in related individuals. ClinVar contains an entry for this variant (Variation ID: 99182). Invitae Evidence Modeling of protein sequence and biophysical properties (such as structural, functional, and spatial information, amino acid conservation, physicochemical variation, residue mobility, and thermodynamic stability) indicates that this missense variant is expected to disrupt ABCA4 protein function with a positive predictive value of 95%. This variant disrupts the p.Gly991 amino acid residue in ABCA4. Other variant(s) that disrupt this residue have been determined to be pathogenic (PMID: 23982839, 32036094; internal data). This suggests that this residue is clinically significant, and that variants that disrupt this residue are likely to be disease-causing. For these reasons, this variant has been classified as Pathogenic.

Revvity Omics, Revvity
Classification: Likely pathogenic. Last evaluated: 2025-04-17. Review status: criteria provided, single submitter. Criteria: ACMG Guidelines, 2015. Collection method: clinical testing. Allele origin: germline.

Molecular Genetics and NGS Laboratory, Hospital Fundacion Valle Del Lili
Classification: Pathogenic for Retinitis pigmentosa 19. Last evaluated: 2024-08-15. Review status: criteria provided, single submitter. Criteria: ACMG Guidelines, 2015. Collection method: clinical testing. Allele origin: germline. Affected: yes. Observed: 1 variant allele.
Comment: Combined evidence strength is Very Strong: ClinVar classifies this variant as Pathogenic, 2 stars (PP5). Equivalent variant chr1:94044692 C>T (Gly991Arg) is classified Pathogenic, 1 star, by ClinVar (PS1). Hot-spot of length 17 amino-acids has 16 missense/in-frame variants (10 pathogenic variants, 6 uncertain variants and no benign), which qualifies as moderate pathogenic.UniProt protein ABCA4_HUMAN has 305 missense/in-frame variants (217 pathogenic variants, 88 uncertain variants and no benign), which qualifies as moderate pathogenic (PM1). Alternative variant chr1:94044691 C>A (Gly991Val) is classified Likely Pathogenic by LOVD (PM5).GnomAD genomes homozygous allele count = 1. GnomAD exomes homozygous allele count = 1 (PM2). MetaRNN = 0.105 is between 0.00692 and 0.108 = strong benign.

Blueprint Genetics
Classification: Pathogenic for ABCA4-related disorders. Last evaluated: 2024-07-26. Review status: criteria provided, single submitter. Criteria: ACMG Guidelines, 2015. Collection method: clinical testing. Allele origin: germline. Affected: yes. Observed: 5 variant alleles.

Genomic Medicine Center of Excellence, King Faisal Specialist Hospital and Research Centre
Classification: Likely pathogenic for Severe early-childhood-onset retinal dystrophy. Last evaluated: 2024-03-29. Review status: criteria provided, single submitter. Criteria: ACMG Guidelines, 2015. Collection method: clinical testing. Allele origin: germline.

Fulgent Genetics
Classification: Pathogenic for Age related macular degeneration 2; Severe early-childhood-onset retinal dystrophy; Retinitis pigmentosa 19; Cone-rod dystrophy 3. Last evaluated: 2024-01-05. Review status: criteria provided, single submitter. Criteria: ACMG Guidelines, 2015. Collection method: clinical testing. Allele origin: germline.

Institute of Human Genetics, Univ. Regensburg, Univ. Regensburg
Classification: Likely pathogenic for Optic atrophy. Last evaluated: 2023-01-01. Review status: criteria provided, single submitter. Criteria: ACMG Guidelines, 2015. Collection method: clinical testing. Allele origin: germline. Affected: yes.